The following is an entry in ClinVar:

NM_207361.6(FREM2):c.6334G>A (p.Glu2112Lys)

Gene: FREM2 (FRAS1 related extracellular matrix 2; plus strand). Cytogenetic location: 13q13.3.
Variant type: single nucleotide variant.
Coding change: c.6334G>A on transcript NM_207361.6 (MANE Select); coding-DNA position 6334, G replaced by A.
Protein change: p.Glu2112Lys; replaces glutamic acid 2112 with lysine.
Molecular consequence: missense variant.
Genome position (GRCh38, 1-based): chr13:38,848,625, G>A. VCF-style: chr13-38848625-G-A. GRCh37 (hg19) VCF-style: chr13-39422762-G-A.
Other names: short protein forms E2112K.
Identifiers: ClinVar variation 882728 (VCV000882728.7), dbSNP rs746057172, ClinGen allele CA6955519.

ClinVar aggregate classification (germline): Uncertain significance. Review status: criteria provided, multiple submitters, no conflicts (2 of 4 stars). 3 submissions from 3 submitters: Uncertain significance (3). Last evaluated 2024-11-12.

Conditions:
Fraser syndrome 2 (FRASRS2). Identifiers: MedGen C4540036, MONDO:0054738, OMIM 617666.
Isolated cryptophthalmia. Also called: Cryptophthalmos, unilateral or bilateral, isolated; ANKYLOBLEPHARON, SIMPLE. Identifiers: Orphanet 91396, MedGen C1852453, MONDO:0007410, OMIM 123570.

Allele frequency attached by ClinVar (database versions not stated): gnomAD 0.00002 and 0.00003; gnomAD exomes 0.00002; TOPMed 0.00002; ExAC 0.00004.
gnomAD v4.1: 35 of 1,613,858 alleles (0.0022%); highest among the groups gnomAD compares: East Asian, 0.031%; no homozygotes.

Submissions (3):

Labcorp Genetics (formerly Invitae), Labcorp
Classification: Uncertain significance. Last evaluated: 2024-11-12. Review status: criteria provided, single submitter. Criteria: Invitae Variant Classification Sherloc (09022015). Collection method: clinical testing. Allele origin: germline.
Comment: This sequence change replaces glutamic acid, which is acidic and polar, with lysine, which is basic and polar, at codon 2112 of the FREM2 protein (p.Glu2112Lys). This variant is present in population databases (rs746057172, gnomAD 0.02%). This variant has not been reported in the literature in individuals affected with FREM2-related conditions. ClinVar contains an entry for this variant (Variation ID: 882728). Invitae Evidence Modeling of protein sequence and biophysical properties (such as structural, functional, and spatial information, amino acid conservation, physicochemical variation, residue mobility, and thermodynamic stability) indicates that this missense variant is not expected to disrupt FREM2 protein function with a negative predictive value of 80%. In summary, the available evidence is currently insufficient to determine the role of this variant in disease. Therefore, it has been classified as a Variant of Uncertain Significance.

Fulgent Genetics
Classification: Uncertain significance for Isolated cryptophthalmia; Fraser syndrome 2. Last evaluated: 2024-06-07. Review status: criteria provided, single submitter. Criteria: ACMG Guidelines, 2015. Collection method: clinical testing. Allele origin: germline.

Illumina Laboratory Services, Illumina
Classification: Uncertain significance for Fraser syndrome 2. Last evaluated: 2018-01-13. Review status: criteria provided, single submitter. Criteria: ICSL Variant Classification Criteria 13 December 2019. Collection method: clinical testing. Allele origin: germline.